The following is an entry in ClinVar:

ClinVar aggregate classification (germline): Likely benign. Review status: criteria provided, multiple submitters, no conflicts (2 of 4 stars). 2 submissions from 2 submitters: Likely benign (2). Last evaluated 2024-08-22.

Conditions:
Familial cancer of breast. Also called: Hereditary breast cancer; hereditary breast carcinoma; BREAST CANCER, FAMILIAL. Identifiers: Orphanet 227535, MedGen C0346153, MONDO:0016419, OMIM 114480. Disease mechanism: loss of function.
Fanconi anemia complementation group J. Also called: BRIP1-Related Fanconi Anemia. Identifiers: Orphanet 84, MedGen C1836860, MONDO:0012187, OMIM 609054.

Submissions (2):

Myriad Genetics, Inc.
Classification: Likely benign for Familial cancer of breast. Last evaluated: 2024-08-22. Review status: criteria provided, single submitter. Criteria: Myriad Autosomal Dominant, Autosomal Recessive and X-Linked Classification Criteria (2023). Collection method: clinical testing. Allele origin: unknown.
Comment: This variant is considered likely benign. This variant is intronic and is not expected to impact mRNA splicing.

Labcorp Genetics (formerly Invitae), Labcorp
Classification: Likely benign for Familial cancer of breast; Fanconi anemia complementation group J. Last evaluated: 2022-10-08. Review status: criteria provided, single submitter. Criteria: Invitae Variant Classification Sherloc (09022015). Collection method: clinical testing. Allele origin: germline.

NM_032043.3(BRIP1):c.919-4C>T

Gene: BRIP1 (BRCA1 interacting DNA helicase 1; minus strand). Cytogenetic location: 17q23.2.
Variant type: single nucleotide variant.
Coding change: c.919-4C>T on transcript NM_032043.3 (MANE Select); 4 bases into the intron before coding-DNA position 919, C replaced by T.
Molecular consequence: intron variant.
Genome position (GRCh38, 1-based): chr17:61,801,478, G>A on the plus strand (C>T on the coding strand, the complement: BRIP1 is on the minus strand). VCF-style: chr17-61801478-G-A. GRCh37 (hg19) VCF-style: chr17-59878839-G-A.
Identifiers: ClinVar variation 2034793 (VCV002034793.5), dbSNP rs2145343193, ClinGen allele CA2580094640.